The following is an entry in ClinVar:

NM_000143.4(FH):c.12A>T (p.Ala4=)

Gene: FH (fumarate hydratase; minus strand). Cytogenetic location: 1q43.
Variant type: single nucleotide variant.
Coding change: c.12A>T on transcript NM_000143.4 (MANE Select); coding-DNA position 12, A replaced by T.
Protein change: p.Ala4=; no amino-acid change (alanine 4 retained).
Molecular consequence: synonymous variant.
Genome position (GRCh38, 1-based): chr1:241,519,711, T>A on the plus strand (A>T on the coding strand, the complement: FH is on the minus strand). VCF-style: chr1-241519711-T-A. GRCh37 (hg19) VCF-style: chr1-241683011-T-A.
Identifiers: ClinVar variation 1124259 (VCV001124259.10), dbSNP rs201277370, ClinGen allele CA424076880.

ClinVar aggregate classification (germline): Benign/Likely benign. Review status: criteria provided, multiple submitters, no conflicts (2 of 4 stars). 2 submissions from 2 submitters: Benign (1); Likely benign (1). Last evaluated 2024-10-17.

Conditions:
Hereditary leiomyomatosis and renal cell cancer. Also called: Reed syndrome; Multiple cutaneous and uterine leiomyomatosis; Cutaneous leiomyomata with uterine leiomyomata; Leiomyoma, hereditary multiple, of skin; Multiple cutaneous and uterine leiomyomata; Multiple cutaneous leiomyomas. Identifiers: Orphanet 523, MedGen C1708350, MONDO:0007888, OMIM 150800, HP:0007437. Disease mechanism: loss of function.

Submissions (2):

Myriad Genetics, Inc.
Classification: Benign for Hereditary leiomyomatosis and renal cell cancer. Last evaluated: 2024-10-17. Review status: criteria provided, single submitter. Criteria: Myriad Autosomal Dominant, Autosomal Recessive and X-Linked Classification Criteria (2023). Collection method: clinical testing. Allele origin: unknown.
Comment: This variant is considered benign. This variant is a silent/synonymous amino acid change and it is not expected to impact splicing.

Labcorp Genetics (formerly Invitae), Labcorp
Classification: Likely benign. Last evaluated: 2019-10-31. Review status: criteria provided, single submitter. Criteria: Invitae Variant Classification Sherloc (09022015). Collection method: clinical testing. Allele origin: germline.